The following is an entry in ClinVar:

NM_005655.4(KLF10):c.684T>G (p.Leu228=)

Gene: KLF10 (KLF transcription factor 10; minus strand). Cytogenetic location: 8q22.3.
Variant type: single nucleotide variant.
Coding change: c.684T>G on transcript NM_005655.4 (MANE Select); coding-DNA position 684, T replaced by G.
Protein change: p.Leu228=; no amino-acid change (leucine 228 retained).
Molecular consequence: synonymous variant.
Genome position (GRCh38, 1-based): chr8:102,651,648, A>C on the plus strand (T>G on the coding strand, the complement: KLF10 is on the minus strand). VCF-style: chr8-102651648-A-C. GRCh37 (hg19) VCF-style: chr8-103663876-A-C.
Other names: c.651T>G, p.Leu217= (NM_001032282.4); c.684T>G (NM_005655.3).
Identifiers: ClinVar variation 1414887 (VCV001414887.10), dbSNP rs377740938, ClinGen allele CA4833555.
Genomic context (GRCh38, chr8:102,651,648, plus strand): 5'-CACAGGGGCTGGCTGAGACCTGCAGATGACCGTCTCTGAGGAAGGCACAGAAAAGTCATA[A>C]AGTGCAGCACTTGCTTTCTCATCAACATCTGCCACTGTGTTTCTCTCACATTTGGATCTG-3'
Protein context (NP_005646.1, residues 218-238): ADVDEKASAA[Leu228=]YDFSVPSSET

ClinVar aggregate classification (germline): Likely benign. Review status: criteria provided, single submitter (1 of 4 stars). 2 submissions from 2 submitters: Likely benign (1). 1 of the submissions does not count toward it. Last evaluated 2025-10-18.

Conditions:
KLF10-related disorder. Also called: KLF10-related condition.

Allele frequency attached by ClinVar (database versions not stated): ExAC 0.00003; gnomAD exomes 0.00003 and 0.00005; TOPMed 0.00003; gnomAD 0.00004; ESP Exome Variant Server 0.00008.
gnomAD v4.1: 80 of 1,614,108 alleles (0.005%); highest among the groups gnomAD compares: Non-Finnish European, 0.0063%; no homozygotes.

Submissions (2):

Labcorp Genetics (formerly Invitae), Labcorp
Classification: Likely benign. Last evaluated: 2025-10-18. Review status: criteria provided, single submitter. Criteria: Invitae Variant Classification Sherloc (09022015). Collection method: clinical testing. Allele origin: germline.

PreventionGenetics, part of Exact Sciences
Classification: Likely benign for KLF10-related condition. Last evaluated: 2020-09-29. Review status: no assertion criteria provided. Collection method: clinical testing. Allele origin: germline. Not counted in ClinVar's aggregate classification.
Comment: This variant is classified as likely benign based on ACMG/AMP sequence variant interpretation guidelines (Richards et al. 2015 PMID: 25741868, with internal and published modifications).